The following is an entry in ClinVar:

ClinVar aggregate classification (germline): Uncertain significance. Review status: criteria provided, multiple submitters, no conflicts (2 of 4 stars). 5 submissions from 5 submitters: Uncertain significance (5). Last evaluated 2025-09-28.

Conditions:
RYR1-related myopathy. Identifiers: Orphanet 98742, MedGen CN305348, MONDO:0100150.
Inborn genetic diseases. Identifiers: MedGen C0950123, MeSH D030342.
Malignant hyperthermia, susceptibility to, 1 (MHS1). Also called: Anesthesia related hyperthermia; Malignant hyperpyrexia; Fulminating hyperpyrexia; Pharmacogenic myopathy; Malignant hyperthermia suceptibility 1; RYR1-Related Malignant Hyperthermia Susceptibility. Identifiers: Orphanet 423, MedGen C2930980, MONDO:0007783, OMIM 145600.
RYR1-related disorder. Also called: RYR1-related disorders; RYR1-related condition. Identifiers: MedGen CN239331.

Allele frequency attached by ClinVar (database versions not stated): gnomAD 0.00001; gnomAD exomes 0.00002; TOPMed 0.00002.
gnomAD v4.1: 29 of 1,612,358 alleles (0.0018%); highest among the groups gnomAD compares: East Asian, 0.0067%; no homozygotes.

Submissions (5):

Ambry Genetics
Classification: Uncertain significance for Inborn genetic diseases. Last evaluated: 2025-09-28. Review status: criteria provided, single submitter. Criteria: Ambry Variant Classification Scheme 2023. Collection method: clinical testing. Allele origin: germline.
Comment: The c.8347G>A (p.E2783K) alteration is located in exon 53 (coding exon 53) of the RYR1 gene. This alteration results from a G to A substitution at nucleotide position 8347, causing the glutamic acid (E) at amino acid position 2783 to be replaced by a lysine (K). Based on data from gnomAD, the A allele has an overall frequency of 0.002% (4/249456) total alleles studied. The highest observed frequency was 0.006% (2/34390) of Latino alleles. Based on insufficient or conflicting evidence, the clinical significance of this alteration remains unclear.

Labcorp Genetics (formerly Invitae), Labcorp
Classification: Uncertain significance for RYR1-related disorder. Last evaluated: 2024-12-24. Review status: criteria provided, single submitter. Criteria: Invitae Variant Classification Sherloc (09022015). Collection method: clinical testing. Allele origin: germline.
Comment: This sequence change replaces glutamic acid, which is acidic and polar, with lysine, which is basic and polar, at codon 2783 of the RYR1 protein (p.Glu2783Lys). This variant is present in population databases (no rsID available, gnomAD 0.006%). This variant has not been reported in the literature in individuals affected with RYR1-related conditions. ClinVar contains an entry for this variant (Variation ID: 1405915). Invitae Evidence Modeling of protein sequence and biophysical properties (such as structural, functional, and spatial information, amino acid conservation, physicochemical variation, residue mobility, and thermodynamic stability) indicates that this missense variant is not expected to disrupt RYR1 protein function with a negative predictive value of 80%. In summary, the available evidence is currently insufficient to determine the role of this variant in disease. Therefore, it has been classified as a Variant of Uncertain Significance.

Victorian Clinical Genetics Services, Murdoch Childrens Research Institute
Classification: Uncertain significance for RYR1-related myopathy. Last evaluated: 2024-09-23. Review status: criteria provided, single submitter. Criteria: ACMG Guidelines, 2015. Collection method: clinical testing. Allele origin: germline. Affected: yes.
Comment: Based on the classification scheme VCGS_Germline_v1.3.4, this variant is classified as VUS-3B. Following criteria are met: 0103 - Loss of function and gain of function are known mechanisms of disease in this gene and are associated with RYR1-related disorders (OMIM). Gain of function mechanism has been described in the context of malignant hyperthermia susceptibility 1 (MIM#145600) and autosomal dominant congenital myopathy 1A with susceptibility to malignant hyperthermia (MIM#117000). Autosomal recessive congenital myopathy 1B (MIM#255320) is associated with a loss of function mechanism (PMIDs: 27855725, 23919265). The mechanism of King-Denborough syndrome (MIM#619542) is unclear. (I) 0108 - This gene is associated with both recessive and dominant disease (OMIM). (I) 0200 - Variant is predicted to result in a missense amino acid change from glutamic acid to lysine. (I) 0251 - This variant is heterozygous. (I) 0304 - Variant is present in gnomAD <0.01 (v2: 4 heterozygotes, 0 homozygotes). (SP) 0309 - An alternative amino acid change at the same position has been observed in gnomAD (v2) (1 heterozygote, 0 homozygotes). (I) 0502 - Missense variant with conflicting in silico predictions and high conservation. (I) 0600 - Variant is located in the annotated RyR domain (DECIPHER). (I) 0710 - Other missense variants comparable to the one identified in this case have inconclusive previous evidence for pathogenicity. Two alternative amino acid changes at the same codon, p.(Gly2783Gln) and p.(Gly2783Val), have previously been classified as VUS (ClinVar). (I) 0809 - Previous evidence of pathogenicity for this variant is inconclusive. This variant has been classified as a VUS in multiple entries in ClinVar. (I) 0905 - No published segregation evidence has been identified for this variant. (I) 1007 - No published functional evidence has been identified for this variant. (I) 1208 - Inheritance information for this variant is not currently available in this individual. (I) Legend: (SP) - Supporting pathogenic, (I) - Information, (SB) - Supporting benign

All of Us Research Program, National Institutes of Health
Classification: Uncertain significance for Malignant hyperthermia, susceptibility to, 1. Last evaluated: 2023-12-01. Review status: criteria provided, single submitter. Criteria: ACMG Guidelines, 2015. Collection method: clinical testing. Allele origin: germline. Inheritance: Autosomal dominant inheritance. Observed: 2 variant alleles, 2 heterozygotes.
Comment: This study involves interpretation of variants in research participants for the purpose of population health screening. Participant phenotype was not available at the time of variant classification. Additional details can be found in publication PMID: 35346344, PMCID: PMC8962531

Revvity Omics, Revvity
Classification: Uncertain significance. Last evaluated: 2021-03-10. Review status: criteria provided, single submitter. Criteria: ACMG Guidelines, 2015. Collection method: clinical testing. Allele origin: germline.

Literature cited by the submitters: PubMed 23919265 (cited by Victorian Clinical Genetics Services, Murdoch Childrens Research Institute); PubMed 27855725 (cited by Victorian Clinical Genetics Services, Murdoch Childrens Research Institute).

NM_000540.3(RYR1):c.8347G>A (p.Glu2783Lys)

Genes: RYR1 (ryanodine receptor 1; plus strand), LOC126862902 (BRD4-independent group 4 enhancer GRCh37_chr19:38995830-38997029; plus strand). Cytogenetic location: 19q13.2.
Variant type: single nucleotide variant.
Coding change: c.8347G>A on transcript NM_000540.3 (MANE Select); coding-DNA position 8347, G replaced by A.
Protein change: p.Glu2783Lys; replaces glutamic acid 2783 with lysine.
Molecular consequence: missense variant.
Genome position (GRCh38, 1-based): chr19:38,505,345, G>A. VCF-style: chr19-38505345-G-A. GRCh37 (hg19) VCF-style: chr19-38995985-G-A.
Other names: c.8347G>A (NM_000540.2); c.8347G>A, p.Glu2783Lys (NM_001042723.2); short protein forms E2783K.
Identifiers: ClinVar variation 1405915 (VCV001405915.13), dbSNP rs761023180, ClinGen allele CA308117092.